The following is an entry in ClinVar:

NM_182961.4(SYNE1):c.14290C>T (p.Arg4764Ter)

Gene: SYNE1 (spectrin repeat containing nuclear envelope protein 1; minus strand). Cytogenetic location: 6q25.2.
Variant type: single nucleotide variant.
Coding change: c.14290C>T on transcript NM_182961.4 (MANE Select); coding-DNA position 14290, C replaced by T.
Protein change: p.Arg4764Ter; replaces arginine 4764 with a stop codon.
Molecular consequence: nonsense.
Genome position (GRCh38, 1-based): chr6:152,330,395, G>A on the plus strand (C>T on the coding strand, the complement: SYNE1 is on the minus strand). VCF-style: chr6-152330395-G-A. GRCh37 (hg19) VCF-style: chr6-152651530-G-A.
Other names: p.Arg4693*; c.14077C>T, p.Arg4693Ter (NM_033071.5); short protein forms R4693*, R4764*.
Identifiers: ClinVar variation 1807169 (VCV001807169.6), dbSNP rs769419654, ClinGen allele CA4056031.
Genomic context (GRCh38, chr6:152,330,395, plus strand): 5'-CGTGTTCTTGGTAAGCACTGGTGGTGTCTTCTAATAAGCTAACCCTCTGTTCTGTTTGTC[G>A]CTTCAGCCTGTGATATAAGGTGACAAGGTGCAGCATCTTGTCTGGCTGCCAAGGCTGACC-3'

ClinVar aggregate classification (germline): Pathogenic/Likely pathogenic. Review status: criteria provided, multiple submitters, no conflicts (2 of 4 stars). 3 submissions from 3 submitters: Pathogenic (1); Likely pathogenic (2). Last evaluated 2024-09-27.

Conditions:
Emery-Dreifuss muscular dystrophy 4, autosomal dominant (EDMD4). Also called: EMERY-DREIFUSS MUSCULAR DYSTROPHY 4 WITH VARIABLE FEATURES. Identifiers: Orphanet 261, MedGen C2751807, MONDO:0013071, OMIM 612998.
Autosomal recessive ataxia, Beauce type. Also called: SYNE1-Related Autosomal Recessive Cerebellar Ataxia; SYNE1 Deficiency; Spinocerebellar ataxia, autosomal recessive 8; ATAXIA, RECESSIVE, OF BEAUCE. Identifiers: Orphanet 88644, MedGen C1853116, MONDO:0012549, OMIM 610743.

Allele frequency attached by ClinVar (database versions not stated): TOPMed 0.00001; gnomAD 0.00002; gnomAD exomes below 0.00001; ExAC 0.00001.
gnomAD v4.1: 6 of 1,613,912 alleles (0.00037%); highest among the groups gnomAD compares: African/African-American, 0.0013%; no homozygotes.

Submissions (3):

Labcorp Genetics (formerly Invitae), Labcorp
Classification: Pathogenic for Emery-Dreifuss muscular dystrophy 4, autosomal dominant; Autosomal recessive ataxia, Beauce type. Last evaluated: 2024-09-27. Review status: criteria provided, single submitter. Criteria: Invitae Variant Classification Sherloc (09022015). Collection method: clinical testing. Allele origin: germline.
Comment: This sequence change creates a premature translational stop signal (p.Arg4693*) in the SYNE1 gene. It is expected to result in an absent or disrupted protein product. Loss-of-function variants in SYNE1 are known to be pathogenic (PMID: 19542096, 24319099, 27086870). This variant is present in population databases (rs769419654, gnomAD 0.004%). This variant has not been reported in the literature in individuals affected with SYNE1-related conditions. ClinVar contains an entry for this variant (Variation ID: 1807169). For these reasons, this variant has been classified as Pathogenic.

Mayo Clinic Laboratories, Mayo Clinic
Classification: Likely pathogenic. Last evaluated: 2024-09-16. Review status: criteria provided, single submitter. Criteria: ACMG Guidelines, 2015. Collection method: clinical testing. Allele origin: germline. Observed: 1 variant allele.
Comment: PM2, PVS1

Athena Diagnostics
Classification: Likely pathogenic. Last evaluated: 2021-07-30. Review status: criteria provided, single submitter. Criteria: Athena Diagnostics Criteria. Collection method: clinical testing. Allele origin: unknown.
Comment: This variant is expected to result in the loss of a functional protein. The frequency of this variant in the general population is consistent with pathogenicity.

Literature cited by the submitters: PubMed 19542096 (cited by Labcorp Genetics (formerly Invitae), Labcorp); PubMed 24319099 (cited by Labcorp Genetics (formerly Invitae), Labcorp); PubMed 27086870 (cited by Labcorp Genetics (formerly Invitae), Labcorp); PubMed 36129056 (cited by Mayo Clinic Laboratories, Mayo Clinic).